The following is an entry in ClinVar:

ClinVar aggregate classification (germline): Likely benign. Review status: criteria provided, multiple submitters, no conflicts (2 of 4 stars). 2 submissions from 2 submitters: Likely benign (2). Last evaluated 2026-06-18.

Conditions:
Retinoblastoma (RB1). Also called: RETINOBLASTOMA, SOMATIC. Identifiers: Orphanet 790, MedGen C0035335, MeSH D012175, MONDO:0008380, OMIM 180200, HP:0009919. Disease mechanism: loss of function. Inheritance: Both sporadic and heritable forms are tested..

Allele frequency attached by ClinVar (database versions not stated): gnomAD exomes below 0.00001; gnomAD 0.00001; TOPMed 0.00001.
gnomAD v4.1: 3 of 1,582,794 alleles (0.00019%); highest among the groups gnomAD compares: African/African-American, 0.0014%; no homozygotes.

Submissions (2):

Myriad Genetics, Inc.
Classification: Likely benign for Retinoblastoma. Last evaluated: 2026-06-18. Review status: criteria provided, single submitter. Criteria: Myriad Autosomal Dominant, Autosomal Recessive and X-Linked Classification Criteria (2023). Collection method: clinical testing. Allele origin: unknown.
Comment: This variant is considered likely benign. This variant is intronic and is not expected to impact mRNA splicing.

Labcorp Genetics (formerly Invitae), Labcorp
Classification: Likely benign for Retinoblastoma. Last evaluated: 2025-08-18. Review status: criteria provided, single submitter. Criteria: Invitae Variant Classification Sherloc (09022015). Collection method: clinical testing. Allele origin: germline.

NM_000321.3(RB1):c.1499-8A>G

Gene: RB1 (RB transcriptional corepressor 1; plus strand). Cytogenetic location: 13q14.2.
Variant type: single nucleotide variant.
Coding change: c.1499-8A>G on transcript NM_000321.3 (MANE Select); 8 bases into the intron before coding-DNA position 1499, A replaced by G.
Molecular consequence: intron variant.
Genome position (GRCh38, 1-based): chr13:48,381,239, A>G. VCF-style: chr13-48381239-A-G. GRCh37 (hg19) VCF-style: chr13-48955375-A-G.
Identifiers: ClinVar variation 1133785 (VCV001133785.10), dbSNP rs1555286676, ClinGen allele CA955795722.